The following is an entry in ClinVar:

NM_004260.4(RECQL4):c.85-9C>G

Genes: RECQL4 (RecQ like helicase 4; minus strand), LOC130001411 (ATAC-STARR-seq lymphoblastoid silent region 19699; plus strand). Cytogenetic location: 8q24.3.
Variant type: single nucleotide variant.
Coding change: c.85-9C>G on transcript NM_004260.4 (MANE Select); 9 bases into the intron before coding-DNA position 85, C replaced by G.
Molecular consequence: intron variant.
Genome position (GRCh38, 1-based): chr8:144,517,644, G>C on the plus strand (C>G on the coding strand, the complement: RECQL4 is on the minus strand). VCF-style: chr8-144517644-G-C. GRCh37 (hg19) VCF-style: chr8-145743028-G-C.
Other names: c.-893C>G (NM_001413024.1); c.-721C>G (NM_001413028.1); c.-1058C>G (NM_001413030.1, NM_001413031.1, NM_001413041.1); c.-900C>G (NM_001413034.1); c.-996C>G (NM_001413037.1, NM_001413038.1, NM_001413042.1 and 2 more transcripts); c.-901C>G (NM_001413040.1); c.-1265C>G (NM_001413043.1); c.-645C>G (NM_001413021.1).
Identifiers: ClinVar variation 2013859 (VCV002013859.4), dbSNP rs751358754, ClinGen allele CA2580078825.

ClinVar aggregate classification (germline): Uncertain significance (1 of 4 stars; one submission).

Conditions:
Baller-Gerold syndrome (BGS). Also called: CRANIOSYNOSTOSIS WITH RADIAL DEFECTS. Identifiers: Orphanet 1225, MedGen C0265308, MONDO:0009039, OMIM 218600.

Submission:

Labcorp Genetics (formerly Invitae), Labcorp
Classification: Uncertain significance for Baller-Gerold syndrome. Last evaluated: 2022-07-03. Review status: criteria provided, single submitter. Criteria: Invitae Variant Classification Sherloc (09022015). Collection method: clinical testing. Allele origin: germline.
Comment: This variant is not present in population databases (gnomAD no frequency). In summary, the available evidence is currently insufficient to determine the role of this variant in disease. Therefore, it has been classified as a Variant of Uncertain Significance. Algorithms developed to predict the effect of sequence changes on RNA splicing suggest that this variant may disrupt the consensus splice site. This variant has not been reported in the literature in individuals affected with RECQL4-related conditions. This sequence change falls in intron 1 of the RECQL4 gene. It does not directly change the encoded amino acid sequence of the RECQL4 protein.